The following is an entry in ClinVar:

NM_001735.3(C5):c.3154+2dup

Gene: C5 (complement C5; minus strand). Cytogenetic location: 9q33.2.
Variant type: Duplication.
Coding change: c.3154+2dup on transcript NM_001735.3 (MANE Select); the canonical splice donor site of the intron after coding-DNA position 3154, one base duplicated (T; older notation c.3154+2dupT).
Molecular consequence: splice donor variant.
Genome position (GRCh38, 1-based): chr9:120,989,566, A duplicated on the plus strand (T on the coding strand, the reverse complement: C5 is on the minus strand). VCF-style (leftmost placement, unchanged base first): chr9-120989565-T-TA. GRCh37 (hg19) VCF-style: chr9-123751843-T-TA.
Other names: c.3172+2dup (NM_001317163.2).
Identifiers: ClinVar variation 1508171 (VCV001508171.4), dbSNP rs1395530580, ClinGen allele CA590204789.

ClinVar aggregate classification (germline): Uncertain significance (1 of 4 stars; one submission).

Allele frequency attached by ClinVar (database versions not stated): gnomAD 0.00001 and 0.00002; gnomAD exomes 0.00001.

Submission:

Labcorp Genetics (formerly Invitae), Labcorp
Classification: Uncertain significance. Last evaluated: 2024-12-16. Review status: criteria provided, single submitter. Criteria: Invitae Variant Classification Sherloc (09022015). Collection method: clinical testing. Allele origin: germline.
Comment: This sequence change falls in intron 24 of the C5 gene. It does not directly change the encoded amino acid sequence of the C5 protein. It affects a nucleotide within the consensus splice site. The frequency data for this variant in the population databases is considered unreliable, as metrics indicate poor data quality at this position in the gnomAD database. This variant has not been reported in the literature in individuals affected with C5-related conditions. ClinVar contains an entry for this variant (Variation ID: 1508171). Variants that disrupt the consensus splice site are a relatively common cause of aberrant splicing (PMID: 17576681, 9536098). Algorithms developed to predict the effect of sequence changes on RNA splicing suggest that this variant may disrupt the consensus splice site. In summary, the available evidence is currently insufficient to determine the role of this variant in disease. Therefore, it has been classified as a Variant of Uncertain Significance.

Literature cited by the submitters: PubMed 17576681; PubMed 9536098.